The following is an entry in ClinVar:

ClinVar aggregate classification (germline): Uncertain significance (1 of 4 stars; one submission).

Conditions:
Lissencephaly due to LIS1 mutation (LIS1). Also called: Isolated Lissencephaly Sequence; PAFAH1B1-Associated Lissencephaly/Subcortical Band Heterotopia; PAFAH1B1-Related Lissencephaly/Subcortical Band Heterotopia. Identifiers: Orphanet 95232, MedGen C4749301, MONDO:0011830, OMIM 607432.

Submission:

MVZ Medizinische Genetik Mainz
Classification: Uncertain significance for Lissencephaly due to LIS1 mutation. Last evaluated: 2023-02-28. Review status: criteria provided, single submitter. Criteria: UK Practice Guidelines For Variant Classification V4 01 2020. Collection method: clinical testing. Allele origin: germline. Inheritance: Autosomal dominant inheritance. Affected: yes. Observed: 1 variant allele.
Comment: ACMG Criteria: PM2_SUP, PP2, PP3 (ACMG Version 4)

NM_000430.4(PAFAH1B1):c.353C>T (p.Pro118Leu)

Gene: PAFAH1B1 (platelet activating factor acetylhydrolase 1b regulatory subunit 1; plus strand). Cytogenetic location: 17p13.3.
Variant type: single nucleotide variant.
Coding change: c.353C>T on transcript NM_000430.4 (MANE Select); coding-DNA position 353, C replaced by T.
Protein change: p.Pro118Leu; replaces proline 118 with leucine.
Molecular consequence: missense variant.
Genome position (GRCh38, 1-based): chr17:2,667,152, C>T. VCF-style: chr17-2667152-C-T. GRCh37 (hg19) VCF-style: chr17-2570446-C-T.
Other names: short protein forms P118L.
Identifiers: ClinVar variation 3234110 (VCV003234110.1), dbSNP rs2151661052, ClinGen allele CA397639056.